The following is an entry in ClinVar:

ClinVar aggregate classification (germline): Uncertain significance (1 of 4 stars; one submission).

Submission:

Labcorp Genetics (formerly Invitae), Labcorp
Classification: Uncertain significance. Last evaluated: 2024-10-18. Review status: criteria provided, single submitter. Criteria: Invitae Variant Classification Sherloc (09022015). Collection method: clinical testing. Allele origin: germline.
Comment: This sequence change replaces arginine, which is basic and polar, with glutamine, which is neutral and polar, at codon 457 of the TOP1MT protein (p.Arg457Gln). This variant is present in population databases (rs150897789, gnomAD 0.02%). This variant has not been reported in the literature in individuals affected with TOP1MT-related conditions. Invitae Evidence Modeling of protein sequence and biophysical properties (such as structural, functional, and spatial information, amino acid conservation, physicochemical variation, residue mobility, and thermodynamic stability) has been performed for this missense variant. However, the output from this modeling did not meet the statistical confidence thresholds required to predict the impact of this variant on TOP1MT protein function. In summary, the available evidence is currently insufficient to determine the role of this variant in disease. Therefore, it has been classified as a Variant of Uncertain Significance.

NM_052963.3(TOP1MT):c.1370G>A (p.Arg457Gln)

Gene: TOP1MT (DNA topoisomerase I mitochondrial; minus strand). Cytogenetic location: 8q24.3.
Variant type: single nucleotide variant.
Coding change: c.1370G>A on transcript NM_052963.3 (MANE Select); coding-DNA position 1370, G replaced by A.
Protein change: p.Arg457Gln; replaces arginine 457 with glutamine.
Molecular consequence: missense variant.
Genome position (GRCh38, 1-based): chr8:143,316,087, C>T on the plus strand (G>A on the coding strand, the complement: TOP1MT is on the minus strand). VCF-style: chr8-143316087-C-T. GRCh37 (hg19) VCF-style: chr8-144398257-C-T.
Other names: c.1076G>A, p.Arg359Gln (NM_001258446.1, NM_001258447.1); short protein forms R457Q, R359Q.
Identifiers: ClinVar variation 2802215 (VCV002802215.3), dbSNP rs150897789, ClinGen allele CA4908331.